The following is an entry in ClinVar:

NM_000368.5(TSC1):c.2652_2664del (p.Ala883_Tyr884insTer)

Gene: TSC1 (TSC complex subunit 1; minus strand). Cytogenetic location: 9q34.13.
Variant type: Deletion.
Coding change: c.2652_2664del on transcript NM_000368.5 (MANE Select); coding-DNA positions 2652 to 2664, 13 bases deleted (TCGGAAAGAGCTA).
Protein change: p.Ala883_Tyr884insTer.
Molecular consequence: nonsense. On other transcripts: non-coding transcript variant (5).
Genome position (GRCh38, 1-based): chr9:132,897,572-132,897,584, TAGCTCTTTCCGA deleted on the plus strand (TCGGAAAGAGCTA on the coding strand, the reverse complement: TSC1 is on the minus strand); deleting any 13 consecutive bases within chr9:132,897,572-132,897,587 gives the same sequence; the c. name uses the placement nearest the transcript's 3' end. VCF-style (leftmost placement, unchanged base first): chr9-132897571-CTAGCTCTTTCCGA-C. GRCh37 (hg19) VCF-style: chr9-135772958-CTAGCTCTTTCCGA-C.
Other names: c.2649_2661del, p.Ala882_Tyr883insTer (NM_001162426.2, NM_001406597.1, NM_001406598.1 and 2 more transcripts); c.2499_2511del, p.Ala832_Tyr833insTer (NM_001162427.2, NM_001406610.1); c.2289_2301del, p.Ala762_Tyr763insTer (NM_001362177.2, NM_001406614.1, NM_001406615.1 and 4 more transcripts); c.2652_2664del, p.Ala883_Tyr884insTer (NM_001406592.1, NM_001406593.1, NM_001406594.1 and 2 more transcripts); c.2637_2649del, p.Ala878_Tyr879insTer (NM_001406601.1, NM_001406602.1); c.2634_2646del, p.Ala877_Tyr878insTer (NM_001406603.1, NM_001406604.1); c.2610_2622del, p.Ala869_Tyr870insTer (NM_001406605.1, NM_001406606.1, NM_001406607.1); c.2607_2619del, p.Ala868_Tyr869insTer (NM_001406608.1, NM_001406609.1); and 8 more.
Identifiers: ClinVar variation 2707732 (VCV002707732.3), dbSNP rs2538496745, ClinGen allele CA2697558110.

ClinVar aggregate classification (germline): Pathogenic (1 of 4 stars; one submission).

Conditions:
Tuberous sclerosis 1 (TSC1). Identifiers: Orphanet 805, MedGen C1854465, MONDO:0008612, OMIM 191100.

Submission:

Labcorp Genetics (formerly Invitae), Labcorp
Classification: Pathogenic for Tuberous sclerosis 1. Last evaluated: 2024-01-05. Review status: criteria provided, single submitter. Criteria: Invitae Variant Classification Sherloc (09022015). Collection method: clinical testing. Allele origin: germline.
Comment: This sequence change creates a premature translational stop signal (p.Tyr884*) in the TSC1 gene. It is expected to result in an absent or disrupted protein product. Loss-of-function variants in TSC1 are known to be pathogenic (PMID: 10227394, 17304050). This variant is not present in population databases (gnomAD no frequency). This variant has not been reported in the literature in individuals affected with TSC1-related conditions. For these reasons, this variant has been classified as Pathogenic.

Literature cited by the submitters: PubMed 10227394; PubMed 17304050.